The following is an entry in ClinVar:

NM_000489.6(ATRX):c.1814G>A (p.Cys605Tyr)

Gene: ATRX (ATRX chromatin remodeler; minus strand). Cytogenetic location: Xq21.1.
Variant type: single nucleotide variant.
Coding change: c.1814G>A on transcript NM_000489.6 (MANE Select); coding-DNA position 1814, G replaced by A.
Protein change: p.Cys605Tyr; replaces cysteine 605 with tyrosine.
Molecular consequence: missense variant.
Genome position (GRCh38, 1-based): chrX:77,683,442, C>T on the plus strand (G>A on the coding strand, the complement: ATRX is on the minus strand). VCF-style: chrX-77683442-C-T. GRCh37 (hg19) VCF-style: chrX-76938934-C-T.
Other names: c.1700G>A, p.Cys567Tyr (NM_138270.5); short protein forms C605Y, C567Y.
Identifiers: ClinVar variation 971531 (VCV000971531.8), dbSNP rs1205903424, ClinGen allele CA413716254.

ClinVar aggregate classification (germline): Likely benign. Review status: criteria provided, single submitter (1 of 4 stars). 3 submissions from 3 submitters: Likely benign (1). 2 of the submissions do not count toward it. Last evaluated 2025-09-07.

Conditions:
Intellectual disability. Also called: Intellectual functioning disability; Intellectual developmental disorder; intellectual disabilities. Identifiers: MedGen C3714756, MeSH D008607, MONDO:0001071, HP:0001249.
ATRX-related disorder. Also called: ATRX-related condition.
Alpha thalassemia-X-linked intellectual disability syndrome (ATRX). Also called: ALPHA-THALASSEMIA/MENTAL RETARDATION SYNDROME, X-LINKED; ATR, NONDELETION TYPE; ATR-X syndrome; Alpha thalassemia mental retardation syndrome, nondeletion type, X-linked; XLMR hypotonic face syndrome; X-linked alpha-thalassemia-mental retardation syndrome. Identifiers: Orphanet 847, MedGen C1845055, MONDO:0010519, OMIM 301040.

Allele frequency attached by ClinVar (database versions not stated): gnomAD 0.00001; TOPMed below 0.00001.
gnomAD v4.1: 9 of 1,208,128 alleles (0.00074%); highest among the groups gnomAD compares: Non-Finnish European, 0.001%; no homozygotes.

Submissions (3):

Labcorp Genetics (formerly Invitae), Labcorp
Classification: Likely benign for Alpha thalassemia-X-linked intellectual disability syndrome. Last evaluated: 2025-09-07. Review status: criteria provided, single submitter. Criteria: Invitae Variant Classification Sherloc (09022015). Collection method: clinical testing. Allele origin: germline.

PreventionGenetics, part of Exact Sciences
Classification: Likely benign for ATRX-related condition. Last evaluated: 2024-05-31. Review status: no assertion criteria provided. Collection method: clinical testing. Allele origin: germline. Not counted in ClinVar's aggregate classification.
Comment: This variant is classified as likely benign based on ACMG/AMP sequence variant interpretation guidelines (Richards et al. 2015 PMID: 25741868, with internal and published modifications).

Centre de Biologie Pathologie Génétique, Centre Hospitalier Universitaire de Lille
Classification: Likely benign for Intellectual disability. Last evaluated: 2019-01-01. Review status: no assertion criteria provided. Collection method: clinical testing. Allele origin: inherited. Affected: yes. Not counted in ClinVar's aggregate classification.